The following is an entry in ClinVar:

ClinVar aggregate classification (germline): Uncertain significance. Review status: criteria provided, multiple submitters, no conflicts (2 of 4 stars). 4 submissions from 4 submitters: Uncertain significance (4). Last evaluated 2025-11-12.

Conditions:
Inborn genetic diseases. Identifiers: MedGen C0950123, MeSH D030342.

Allele frequency attached by ClinVar (database versions not stated): gnomAD 0.00003; 1000 Genomes Project 0.00020; 1000 Genomes Project 30x 0.00031.
gnomAD v4.1: 49 of 1,614,074 alleles (0.003%); highest among the groups gnomAD compares: Admixed American, 0.03%; no homozygotes.

Submissions (4):

GeneDx
Classification: Uncertain significance. Last evaluated: 2025-11-12. Review status: criteria provided, single submitter. Criteria: GeneDx Variant Classification Process June 2021. Collection method: clinical testing. Allele origin: germline.
Comment: In silico analysis supports that this missense variant has a deleterious effect on protein structure/function; Has not been previously published as pathogenic or benign to our knowledge

Ambry Genetics
Classification: Uncertain significance for Inborn genetic diseases. Last evaluated: 2025-02-20. Review status: criteria provided, single submitter. Criteria: Ambry Variant Classification Scheme 2023. Collection method: clinical testing. Allele origin: germline.

Labcorp Genetics (formerly Invitae), Labcorp
Classification: Uncertain significance. Last evaluated: 2025-01-05. Review status: criteria provided, single submitter. Criteria: Invitae Variant Classification Sherloc (09022015). Collection method: clinical testing. Allele origin: germline.
Comment: This sequence change replaces arginine, which is basic and polar, with cysteine, which is neutral and slightly polar, at codon 239 of the TALDO1 protein (p.Arg239Cys). This variant is present in population databases (rs201836196, gnomAD 0.04%). This variant has not been reported in the literature in individuals affected with TALDO1-related conditions. ClinVar contains an entry for this variant (Variation ID: 2413011). Invitae Evidence Modeling of protein sequence and biophysical properties (such as structural, functional, and spatial information, amino acid conservation, physicochemical variation, residue mobility, and thermodynamic stability) indicates that this missense variant is expected to disrupt TALDO1 protein function with a positive predictive value of 80%. In summary, the available evidence is currently insufficient to determine the role of this variant in disease. Therefore, it has been classified as a Variant of Uncertain Significance.

Blueprint Genetics
Classification: Uncertain significance. Last evaluated: 2024-09-06. Review status: criteria provided, single submitter. Criteria: ACMG Guidelines, 2015. Collection method: clinical testing. Allele origin: germline.

NM_006755.2(TALDO1):c.715C>T (p.Arg239Cys)

Gene: TALDO1 (transaldolase 1; plus strand). Cytogenetic location: 11p15.5.
Variant type: single nucleotide variant.
Coding change: c.715C>T on transcript NM_006755.2 (MANE Select); coding-DNA position 715, C replaced by T.
Protein change: p.Arg239Cys; replaces arginine 239 with cysteine.
Molecular consequence: missense variant.
Genome position (GRCh38, 1-based): chr11:763,824, C>T. VCF-style: chr11-763824-C-T. GRCh37 (hg19) VCF-style: chr11-763824-C-T.
Other names: short protein forms R239C.
Identifiers: ClinVar variation 2413011 (VCV002413011.7), dbSNP rs201836196, ClinGen allele CA5788273.
Genomic context (GRCh38, chr11:763,824, plus strand): 5'-AAAATCTACAACTACTACAAGAAGTTTAGCTACAAAACCATTGTCATGGGCGCCTCCTTC[C>T]GCAACACGGGCGAGATCAAAGCACTGGCCGGCTGTGACTTCCTCACCATCTCACCCAAGC-3'
Protein context (NP_006746.1, residues 229-249): YKTIVMGASF[Arg239Cys]NTGEIKALAG